The following is an entry in ClinVar:

ClinVar aggregate classification (germline): Uncertain significance (1 of 4 stars; one submission).

Conditions:
DVL1-related disorder. Also called: DVL1-related condition.

Allele frequency attached by ClinVar (database versions not stated): TOPMed below 0.00001; gnomAD 0.00001; gnomAD exomes 0.00001; ExAC 0.00004.

Submission:

PreventionGenetics, part of Exact Sciences
Classification: Uncertain significance for DVL1-related condition. Last evaluated: 2023-03-24. Review status: criteria provided, single submitter. Criteria: ACMG Guidelines, 2015. Collection method: clinical testing. Allele origin: germline.
Comment: The DVL1 c.460G>A variant is predicted to result in the amino acid substitution p.Glu154Lys. To our knowledge, this variant has not been reported in the literature. This variant is reported in 0.0039% of alleles in individuals of South Asian descent in gnomAD. At this time, the clinical significance of this variant is uncertain due to the absence of conclusive functional and genetic evidence.

NM_001330311.2(DVL1):c.460G>A (p.Glu154Lys)

Gene: DVL1 (dishevelled segment polarity protein 1; minus strand). Cytogenetic location: 1p36.33.
Variant type: single nucleotide variant.
Coding change: c.460G>A on transcript NM_001330311.2 (MANE Select); coding-DNA position 460, G replaced by A.
Protein change: p.Glu154Lys; replaces glutamic acid 154 with lysine.
Molecular consequence: missense variant.
Genome position (GRCh38, 1-based): chr1:1,342,059, C>T on the plus strand (G>A on the coding strand, the complement: DVL1 is on the minus strand). VCF-style: chr1-1342059-C-T. GRCh37 (hg19) VCF-style: chr1-1277439-C-T.
Other names: c.460G>A, p.Glu154Lys (NM_004421.3); short protein forms E154K.
Identifiers: ClinVar variation 2634441 (VCV002634441.1), dbSNP rs756874094, ClinGen allele CA520677.